The following is an entry in ClinVar:

ClinVar aggregate classification (germline): Uncertain significance (1 of 4 stars; one submission).

Conditions:
TH-deficient dopa-responsive dystonia. Also called: Tyrosine Hydroxylase-Deficient Dopa-Responsive Dystonia; DYT-TH; Segawa syndrome, autosomal recessive. Identifiers: Orphanet 101150, MedGen C2673535, MONDO:0011551, OMIM 605407.

gnomAD v4.1: 1 of 1,604,686 alleles (0.000062%); no homozygotes.

Submission:

Centre for Mendelian Genomics, University Medical Centre Ljubljana
Classification: Uncertain significance for TH-deficient dopa-responsive dystonia. Last evaluated: 2016-01-01. Review status: criteria provided, single submitter. Criteria: ACMG Guidelines, 2015. Collection method: clinical testing. Allele origin: unknown. Affected: yes.
Comment: This variant was classified as: Uncertain significance. The following ACMG criteria were applied in classifying this variant: PM2,PP3.

NM_000360.4(TH):c.818A>C (p.Glu273Ala)

Gene: TH (tyrosine hydroxylase; minus strand). Cytogenetic location: 11p15.5.
Variant type: single nucleotide variant.
Coding change: c.818A>C on transcript NM_000360.4 (MANE Select); coding-DNA position 818, A replaced by C.
Protein change: p.Glu273Ala; replaces glutamic acid 273 with alanine.
Molecular consequence: missense variant.
Genome position (GRCh38, 1-based): chr11:2,166,910, T>G on the plus strand (A>C on the coding strand, the complement: TH is on the minus strand). VCF-style: chr11-2166910-T-G. GRCh37 (hg19) VCF-style: chr11-2188140-T-G.
Other names: c.911A>C, p.Glu304Ala (NM_199292.3); c.899A>C, p.Glu300Ala (NM_199293.3); short protein forms E300A, E273A, E304A.
Identifiers: ClinVar variation 931049 (VCV000931049.3), dbSNP rs1846110049, ClinGen allele CA379126569.